The following is an entry in ClinVar:

NM_001105206.3(LAMA4):c.2075C>T (p.Ala692Val)

Gene: LAMA4 (laminin subunit alpha 4; minus strand). Cytogenetic location: 6q21.
Variant type: single nucleotide variant.
Coding change: c.2075C>T on transcript NM_001105206.3 (MANE Select); coding-DNA position 2075, C replaced by T.
Protein change: p.Ala692Val; replaces alanine 692 with valine.
Molecular consequence: missense variant.
Genome position (GRCh38, 1-based): chr6:112,150,609, G>A on the plus strand (C>T on the coding strand, the complement: LAMA4 is on the minus strand). VCF-style: chr6-112150609-G-A. GRCh37 (hg19) VCF-style: chr6-112471811-G-A.
Other names: c.2054C>T, p.Ala685Val (NM_001105207.3, NM_002290.5); short protein forms A685V, A692V.
Identifiers: ClinVar variation 2625035 (VCV002625035.2), dbSNP rs782688747, ClinGen allele CA144868946.

ClinVar aggregate classification (germline): Uncertain significance (1 of 4 stars; one submission).

Conditions:
Cardiovascular phenotype. Identifiers: MedGen CN230736.

Allele frequency attached by ClinVar (database versions not stated): gnomAD exomes 0.00001.
gnomAD v4.1: 15 of 1,613,782 alleles (0.00093%); highest among the groups gnomAD compares: Non-Finnish European, 0.0013%; no homozygotes.

Submission:

Ambry Genetics
Classification: Uncertain significance for Cardiovascular phenotype. Last evaluated: 2023-07-24. Review status: criteria provided, single submitter. Criteria: Ambry Variant Classification Scheme 2023. Collection method: clinical testing. Allele origin: germline.
Comment: The p.A685V variant (also known as c.2054C>T), located in coding exon 16 of the LAMA4 gene, results from a C to T substitution at nucleotide position 2054. The alanine at codon 685 is replaced by valine, an amino acid with similar properties. This amino acid position is conserved. In addition, this alteration is predicted to be tolerated by in silico analysis. Since supporting evidence is limited at this time, the clinical significance of this alteration remains unclear.